The following is an entry in ClinVar:

NM_000465.4(BARD1):c.659del (p.Asn219_Leu220insTer)

Gene: BARD1 (BRCA1 associated RING domain 1; minus strand). Cytogenetic location: 2q35.
Variant type: Deletion.
Coding change: c.659del on transcript NM_000465.4 (MANE Select); coding-DNA position 659, one base deleted (T; older notation c.659delT).
Protein change: p.Asn219_Leu220insTer.
Molecular consequence: nonsense. On other transcripts: non-coding transcript variant (2), intron variant (3).
Genome position (GRCh38, 1-based): chr2:214,781,215, A deleted on the plus strand (T on the coding strand, the reverse complement: BARD1 is on the minus strand); the first of 3 consecutive A bases (chr2:214,781,215-214,781,217); deleting any one gives the same sequence. VCF-style (leftmost placement, unchanged base first): chr2-214781214-TA-T. GRCh37 (hg19) VCF-style: chr2-215645938-TA-T.
Other names: c.602del, p.Asn200_Leu201insTer (NM_001282543.2); c.158+28197del (NM_001282548.2); c.215+15846del (NM_001282545.2); c.364+11082del (NM_001282549.2).
Identifiers: ClinVar variation 2022461 (VCV002022461.4), dbSNP rs2469510405, ClinGen allele CA2580065692.

ClinVar aggregate classification (germline): Pathogenic (1 of 4 stars; one submission).

Conditions:
Familial cancer of breast. Also called: hereditary breast carcinoma; BREAST CANCER, FAMILIAL; Hereditary breast cancer. Identifiers: Orphanet 227535, MedGen C0346153, MONDO:0016419, OMIM 114480. Disease mechanism: loss of function.

Submission:

Labcorp Genetics (formerly Invitae), Labcorp
Classification: Pathogenic for Familial cancer of breast. Last evaluated: 2022-08-08. Review status: criteria provided, single submitter. Criteria: Invitae Variant Classification Sherloc (09022015). Collection method: clinical testing. Allele origin: germline.
Comment: For these reasons, this variant has been classified as Pathogenic. This variant has not been reported in the literature in individuals affected with BARD1-related conditions. This variant is not present in population databases (gnomAD no frequency). This sequence change creates a premature translational stop signal (p.Leu220*) in the BARD1 gene. It is expected to result in an absent or disrupted protein product. Loss-of-function variants in BARD1 are known to be pathogenic (PMID: 20077502, 21344236).

Literature cited by the submitters: PubMed 20077502; PubMed 21344236.